The following is an entry in ClinVar:

NM_024675.4(PALB2):c.2128A>C (p.Thr710Pro)

Gene: PALB2 (partner and localizer of BRCA2; minus strand). Cytogenetic location: 16p12.2.
Variant type: single nucleotide variant.
Coding change: c.2128A>C on transcript NM_024675.4 (MANE Select); coding-DNA position 2128, A replaced by C.
Protein change: p.Thr710Pro; replaces threonine 710 with proline.
Molecular consequence: missense variant. On other transcripts: intron variant (1).
Genome position (GRCh38, 1-based): chr16:23,630,026, T>G on the plus strand (A>C on the coding strand, the complement: PALB2 is on the minus strand). VCF-style: chr16-23630026-T-G. GRCh37 (hg19) VCF-style: chr16-23641347-T-G.
Other names: c.2068A>C, p.Thr690Pro (NM_001407296.1); c.2128A>C, p.Thr710Pro (NM_001407297.1, NM_001407298.1, NM_001407299.1 and 3 more transcripts); c.1243A>C, p.Thr415Pro (NM_001407304.1, NM_001407305.1, NM_001407306.1 and 5 more transcripts); c.340A>C, p.Thr114Pro (NM_001407312.1, NM_001407313.1); c.49-751A>C (NM_001407314.1); short protein forms T690P, T710P, T114P, T415P.
Identifiers: ClinVar variation 4664234 (VCV004664234.1).

ClinVar aggregate classification (germline): Uncertain significance (1 of 4 stars; one submission).

Conditions:
Hereditary cancer-predisposing syndrome. Also called: Neoplastic Syndromes, Hereditary; Tumor predisposition; Hereditary Cancer Syndrome; Hereditary neoplastic syndrome. Identifiers: Orphanet 140162, MedGen C0027672, MeSH D009386, MONDO:0015356.

Submission:

Ambry Genetics
Classification: Uncertain significance for Hereditary cancer-predisposing syndrome. Last evaluated: 2025-12-02. Review status: criteria provided, single submitter. Criteria: Ambry Variant Classification Scheme 2023. Collection method: clinical testing. Allele origin: germline.
Comment: The p.T710P variant (also known as c.2128A>C), located in coding exon 5 of the PALB2 gene, results from an A to C substitution at nucleotide position 2128. The threonine at codon 710 is replaced by proline, an amino acid with highly similar properties. This amino acid position is conserved. In addition, this alteration is predicted to be tolerated by in silico analysis. Based on the available evidence, the clinical significance of this variant remains unclear.